The following is an entry in ClinVar:

ClinVar aggregate classification (germline): Uncertain significance (1 of 4 stars; one submission).

Conditions:
Intellectual disability, X-linked, with or without seizures, ARX-related. Also called: INTELLECTUAL DEVELOPMENTAL DISORDER, X-LINKED 29; MENTAL RETARDATION, X-LINKED 29; MENTAL RETARDATION, X-LINKED 32; MENTAL RETARDATION, X-LINKED 33; MENTAL RETARDATION, X-LINKED 38; MENTAL RETARDATION, X-LINKED 43. Identifiers: Orphanet 777, MedGen C0796244, MONDO:0010317, OMIM 300419.
Developmental and epileptic encephalopathy, 1 (DEE1). Also called: X-linked infantile spasms; West's syndrome; Tonic spasms with clustering, arrest of psychomotor development and hypsarrhythmia on EEG; X-Linked Infantile Spasm Syndrome; OHTAHARA SYNDROME, X-LINKED; INFANTILE SPASM SYNDROME, X-LINKED 1. Identifiers: MedGen C3463992, MONDO:0010632, OMIM 308350. Disease mechanism: loss of function.

gnomAD v4.1: 3 of 1,153,217 alleles (0.00026%); highest among the groups gnomAD compares: African/African-American, 0.0036%; no homozygotes.

Submission:

Labcorp Genetics (formerly Invitae), Labcorp
Classification: Uncertain significance for Developmental and epileptic encephalopathy, 1; Intellectual disability, X-linked, with or without seizures, ARX-related. Last evaluated: 2024-03-04. Review status: criteria provided, single submitter. Criteria: Invitae Variant Classification Sherloc (09022015). Collection method: clinical testing. Allele origin: germline.
Comment: This sequence change replaces glutamic acid, which is acidic and polar, with lysine, which is basic and polar, at codon 249 of the ARX protein (p.Glu249Lys). This variant is not present in population databases (gnomAD no frequency). This variant has not been reported in the literature in individuals affected with ARX-related conditions. Advanced modeling of protein sequence and biophysical properties (such as structural, functional, and spatial information, amino acid conservation, physicochemical variation, residue mobility, and thermodynamic stability) performed at Invitae indicates that this missense variant is not expected to disrupt ARX protein function with a negative predictive value of 80%. In summary, the available evidence is currently insufficient to determine the role of this variant in disease. Therefore, it has been classified as a Variant of Uncertain Significance.

NM_139058.3(ARX):c.745G>A (p.Glu249Lys)

Gene: ARX (aristaless related homeobox; minus strand). Cytogenetic location: Xp21.3.
Variant type: single nucleotide variant.
Coding change: c.745G>A on transcript NM_139058.3 (MANE Select); coding-DNA position 745, G replaced by A.
Protein change: p.Glu249Lys; replaces glutamic acid 249 with lysine.
Molecular consequence: missense variant.
Genome position (GRCh38, 1-based): chrX:25,013,250, C>T on the plus strand (G>A on the coding strand, the complement: ARX is on the minus strand). VCF-style: chrX-25013250-C-T. GRCh37 (hg19) VCF-style: chrX-25031367-C-T.
Other names: short protein forms E249K.
Identifiers: ClinVar variation 3749316 (VCV003749316.2).